The following is an entry in ClinVar:

ClinVar aggregate classification (germline): Uncertain significance (1 of 4 stars; one submission).

Conditions:
Ataxia-telangiectasia syndrome (AT). Also called: ATAXIA-TELANGIECTASIA, FRESNO VARIANT; Ataxia-telangiectasia, complementation group D; Cerebello-oculocutaneous telangiectasia; Immunodeficiency with ataxia telangiectasia; Ataxia-telangiectasia; Ataxia telangiectasia (A-T). Identifiers: Orphanet 100, MedGen C0004135, MONDO:0008840, OMIM 208900.

Submission:

Labcorp Genetics (formerly Invitae), Labcorp
Classification: Uncertain significance for Ataxia-telangiectasia syndrome. Last evaluated: 2018-08-08. Review status: criteria provided, single submitter. Criteria: Invitae Variant Classification Sherloc (09022015). Collection method: clinical testing. Allele origin: germline.
Comment: Algorithms developed to predict the effect of missense changes on protein structure and function output the following: SIFT: "Tolerated"; PolyPhen-2: "Benign"; Align-GVGD: "Class C0". The glycine amino acid residue is found in multiple mammalian species, suggesting that this missense change does not adversely affect protein function. These predictions have not been confirmed by published functional studies and their clinical significance is uncertain. In summary, the available evidence is currently insufficient to determine the role of this variant in disease. Therefore, it has been classified as a Variant of Uncertain Significance. This sequence change replaces aspartic acid with glycine at codon 1067 of the ATM protein (p.Asp1067Gly). The aspartic acid residue is moderately conserved and there is a moderate physicochemical difference between aspartic acid and glycine. This variant is not present in population databases (ExAC no frequency). This variant has not been reported in the literature in individuals with ATM-related disease.

NM_000051.4(ATM):c.3200A>G (p.Asp1067Gly)

Gene: ATM (ATM serine/threonine kinase; plus strand). Cytogenetic location: 11q22.3.
Variant type: single nucleotide variant.
Coding change: c.3200A>G on transcript NM_000051.4 (MANE Select); coding-DNA position 3200, A replaced by G.
Protein change: p.Asp1067Gly; replaces aspartic acid 1067 with glycine.
Molecular consequence: missense variant.
Genome position (GRCh38, 1-based): chr11:108,272,768, A>G. VCF-style: chr11-108272768-A-G. GRCh37 (hg19) VCF-style: chr11-108143495-A-G.
Other names: c.3200A>G, p.Asp1067Gly (NM_001351834.2); short protein forms D1067G.
Identifiers: ClinVar variation 658260 (VCV000658260.8), dbSNP rs1591609662, ClinGen allele CA382515750.